The following is an entry in ClinVar:

NM_139276.3(STAT3):c.1861T>G (p.Phe621Val)

Gene: STAT3 (signal transducer and activator of transcription 3; minus strand). Cytogenetic location: 17q21.2.
Variant type: single nucleotide variant.
Coding change: c.1861T>G on transcript NM_139276.3 (MANE Select); coding-DNA position 1861, T replaced by G.
Protein change: p.Phe621Val; replaces phenylalanine 621 with valine.
Molecular consequence: missense variant.
Genome position (GRCh38, 1-based): chr17:42,323,031, A>C on the plus strand (T>G on the coding strand, the complement: STAT3 is on the minus strand). VCF-style: chr17-42323031-A-C. GRCh37 (hg19) VCF-style: chr17-40475049-A-C.
Other names: c.1861T>G, p.Phe621Val (NM_001369512.1, NM_001369513.1, NM_001369514.1 and 9 more transcripts); c.1876T>G, p.Phe626Val (NM_001384990.1, NM_001384986.1); c.1834T>G, p.Phe612Val (NM_001384991.1); c.1801T>G, p.Phe601Val (NM_001384992.1); c.1777T>G, p.Phe593Val (NM_001384984.1); c.1783T>G, p.Phe595Val (NM_001384985.1); c.1840T>G, p.Phe614Val (NM_001384987.1); c.1765T>G, p.Phe589Val (NM_001384989.1); short protein forms F593V, F595V, F612V, F626V, F589V, F601V, F614V, F621V.
Identifiers: ClinVar variation 2138017 (VCV002138017.4), dbSNP rs2144691319, ClinGen allele CA399582782.

ClinVar aggregate classification (germline): Likely pathogenic (1 of 4 stars; one submission).

Conditions:
Hyper-IgE recurrent infection syndrome 1, autosomal dominant. Also called: STAT3 Hyper IgE Syndrome; Hyper-IgE recurrent infection syndrome 1; Job's Syndrome; HYPER-IgE SYNDROME 1, AUTOSOMAL DOMINANT, WITH RECURRENT INFECTIONS; JOB SYNDROME. Identifiers: Orphanet 2314, MedGen C2936739, MONDO:0007818, OMIM 147060.
STAT3 gain of function. Identifiers: MedGen C4288261.

Submission:

Labcorp Genetics (formerly Invitae), Labcorp
Classification: Likely pathogenic for STAT3 gain of function; Hyper-IgE recurrent infection syndrome 1, autosomal dominant. Last evaluated: 2022-07-21. Review status: criteria provided, single submitter. Criteria: Invitae Variant Classification Sherloc (09022015). Collection method: clinical testing. Allele origin: germline.
Comment: This sequence change replaces phenylalanine, which is neutral and non-polar, with valine, which is neutral and non-polar, at codon 621 of the STAT3 protein (p.Phe621Val). This variant is not present in population databases (gnomAD no frequency). In summary, the currently available evidence indicates that the variant is pathogenic, but additional data are needed to prove that conclusively. Therefore, this variant has been classified as Likely Pathogenic. This variant disrupts the p.Phe621 amino acid residue in STAT3. Other variant(s) that disrupt this residue have been determined to be pathogenic (PMID: 20093388, 23830147, 32944025, 34134972). This suggests that this residue is clinically significant, and that variants that disrupt this residue are likely to be disease-causing. Experimental studies have shown that this missense change affects STAT3 function (PMID: 22581330). Advanced modeling of protein sequence and biophysical properties (such as structural, functional, and spatial information, amino acid conservation, physicochemical variation, residue mobility, and thermodynamic stability) performed at Invitae indicates that this missense variant is expected to disrupt STAT3 protein function. This missense change has been observed in individual(s) with hyper-IgE syndrome (PMID: 17881745).

Literature cited by the submitters: PubMed 20093388; PubMed 23830147; PubMed 32944025; PubMed 34134972; PubMed 22581330; PubMed 17881745.